The following is an entry in ClinVar:

ClinVar aggregate classification (germline): Uncertain significance (1 of 4 stars; one submission).

Conditions:
Cardiovascular phenotype. Identifiers: MedGen CN230736.

gnomAD v4.1: 1 of 1,613,974 alleles (0.000062%); highest among the groups gnomAD compares: Non-Finnish European, 0.000085%; no homozygotes.

Submission:

Ambry Genetics
Classification: Uncertain significance for Cardiovascular phenotype. Last evaluated: 2026-05-14. Review status: criteria provided, single submitter. Criteria: Ambry Variant Classification Scheme 2023. Collection method: clinical testing. Allele origin: germline.
Comment: The p.H459P variant (also known as c.1376A>C), located in coding exon 11 of the ENG gene, results from an A to C substitution at nucleotide position 1376. The histidine at codon 459 is replaced by proline, an amino acid with similar properties. This amino acid position is conserved. In addition, this alteration is predicted to be tolerated by in silico analysis. Based on the available evidence, the clinical significance of this variant remains unclear.

NM_001114753.3(ENG):c.1376A>C (p.His459Pro)

Genes: ENG (endoglin; minus strand), LOC102723566 (uncharacterized LOC102723566; plus strand). Cytogenetic location: 9q34.11.
Variant type: single nucleotide variant.
Coding change: c.1376A>C on transcript NM_001114753.3 (MANE Select); coding-DNA position 1376, A replaced by C.
Protein change: p.His459Pro; replaces histidine 459 with proline.
Molecular consequence: missense variant.
Genome position (GRCh38, 1-based): chr9:127,818,768, T>G on the plus strand (A>C on the coding strand, the complement: ENG is on the minus strand). VCF-style: chr9-127818768-T-G. GRCh37 (hg19) VCF-style: chr9-130581047-T-G.
Other names: c.1376A>C, p.His459Pro (NM_000118.4); c.830A>C, p.His277Pro (NM_001278138.2); short protein forms H277P, H459P.
Identifiers: ClinVar variation 4870467 (VCV004870467.1).